The following is an entry in ClinVar:

NM_015102.5(NPHP4):c.4225A>G (p.Asn1409Asp)

Gene: NPHP4 (nephrocystin 4; minus strand). Cytogenetic location: 1p36.31.
Variant type: single nucleotide variant.
Coding change: c.4225A>G on transcript NM_015102.5 (MANE Select); coding-DNA position 4225, A replaced by G.
Protein change: p.Asn1409Asp; replaces asparagine 1409 with aspartic acid.
Molecular consequence: missense variant. On other transcripts: non-coding transcript variant (1).
Genome position (GRCh38, 1-based): chr1:5,863,321, T>C on the plus strand (A>G on the coding strand, the complement: NPHP4 is on the minus strand). VCF-style: chr1-5863321-T-C. GRCh37 (hg19) VCF-style: chr1-5923381-T-C.
Other names: c.2686A>G, p.Asn896Asp (NM_001291593.2); c.2689A>G, p.Asn897Asp (NM_001291594.2); short protein forms N1409D, N896D, N897D.
Identifiers: ClinVar variation 2110277 (VCV002110277.4), dbSNP rs923231614, ClinGen allele CA17124502.
Genomic context (GRCh38, chr1:5,863,321, plus strand): 5'-GCCCTCACTGGTAGATGACCTTCACGCAAAATGCCTCTTCGTTTTTGTCCTCATGGTCAT[T>C]GATGTAGATCAGGATCTCCTCCTCACCCACTCTCTGACTAGGCGCAAACTGCAAGCCGAT-3'
Protein context (NP_055917.1, residues 1399-1419): VGEEEILIYI[Asn1409Asp]DHEDKNEEAF

ClinVar aggregate classification (germline): Uncertain significance (1 of 4 stars; one submission).

Conditions:
Nephronophthisis. Also called: Juvenile Nephronophthisis. Identifiers: Orphanet 655, MedGen C0687120, MONDO:0019005, HP:0000090.

Allele frequency attached by ClinVar (database versions not stated): gnomAD exomes below 0.00001.
gnomAD v4.1: 1 of 1,614,034 alleles (0.000062%); highest among the groups gnomAD compares: Middle Eastern, 0.016%; no homozygotes.

Submission:

Labcorp Genetics (formerly Invitae), Labcorp
Classification: Uncertain significance for Nephronophthisis. Last evaluated: 2022-03-12. Review status: criteria provided, single submitter. Criteria: Invitae Variant Classification Sherloc (09022015). Collection method: clinical testing. Allele origin: germline.
Comment: In summary, the available evidence is currently insufficient to determine the role of this variant in disease. Therefore, it has been classified as a Variant of Uncertain Significance. Algorithms developed to predict the effect of missense changes on protein structure and function are either unavailable or do not agree on the potential impact of this missense change (SIFT: "Tolerated"; PolyPhen-2: "Probably Damaging"; Align-GVGD: "Class C0"). This variant has not been reported in the literature in individuals affected with NPHP4-related conditions. This variant is not present in population databases (gnomAD no frequency). This sequence change replaces asparagine, which is neutral and polar, with aspartic acid, which is acidic and polar, at codon 1409 of the NPHP4 protein (p.Asn1409Asp).